The following is an entry in ClinVar:

ClinVar aggregate classification (germline): Uncertain significance (1 of 4 stars; one submission).

Conditions:
Hereditary cancer-predisposing syndrome. Also called: Neoplastic Syndromes, Hereditary; Tumor predisposition; Hereditary Cancer Syndrome; Hereditary neoplastic syndrome. Identifiers: Orphanet 140162, MedGen C0027672, MeSH D009386, MONDO:0015356.

gnomAD v4.1: 1 of 1,608,782 alleles (0.000062%); highest among the groups gnomAD compares: Non-Finnish European, 0.000085%; no homozygotes.

Submission:

Ambry Genetics
Classification: Uncertain significance for Hereditary cancer-predisposing syndrome. Last evaluated: 2023-11-15. Review status: criteria provided, single submitter. Criteria: Ambry Variant Classification Scheme 2023. Collection method: clinical testing. Allele origin: germline.
Comment: The p.I638M variant (also known as c.1914C>G), located in coding exon 11 of the RET gene, results from a C to G substitution at nucleotide position 1914. The isoleucine at codon 638 is replaced by methionine, an amino acid with highly similar properties. This amino acid position is well conserved in available vertebrate species. In addition, the in silico prediction for this alteration is inconclusive. Since supporting evidence is limited at this time, the clinical significance of this alteration remains unclear.

NM_020975.6(RET):c.1914C>G (p.Ile638Met)

Gene: RET (ret proto-oncogene; plus strand). Cytogenetic location: 10q11.21.
Variant type: single nucleotide variant.
Coding change: c.1914C>G on transcript NM_020975.6 (MANE Select); coding-DNA position 1914, C replaced by G.
Protein change: p.Ile638Met; replaces isoleucine 638 with methionine.
Molecular consequence: missense variant.
Genome position (GRCh38, 1-based): chr10:43,114,514, C>G. VCF-style: chr10-43114514-C-G. GRCh37 (hg19) VCF-style: chr10-43609962-C-G.
Other names: c.1914C>G, p.Ile638Met (NM_000323.2, NM_001406743.1, NM_001406744.1 and 4 more transcripts); c.1152C>G, p.Ile384Met (NM_001355216.2); c.1785C>G, p.Ile595Met (NM_001406761.1, NM_001406762.1, NM_001406764.1); c.1626C>G, p.Ile542Met (NM_001406766.1, NM_001406767.1, NM_001406770.1); c.1518C>G, p.Ile506Met (NM_001406769.1, NM_001406772.1); c.1476C>G, p.Ile492Met (NM_001406771.1, NM_001406773.1); c.1389C>G, p.Ile463Met (NM_001406774.1); c.1188C>G, p.Ile396Met (NM_001406775.1, NM_001406776.1, NM_001406777.1 and 1 more transcripts); and 7 more; short protein forms I203M, I243M, I492M, I506M, I339M, I384M, I396M, I463M.
Identifiers: ClinVar variation 1782552 (VCV001782552.2), dbSNP rs375041479, ClinGen allele CA376552932.